The following is an entry in ClinVar:

NC_000015.10:g.84817261C>T

Gene: ALPK3 (alpha kinase 3; plus strand). Cytogenetic location: 15q25.3.
Variant type: single nucleotide variant.
Genome position: GRCh38 VCF-style: chr15-84817261-C-T. GRCh37 (hg19) VCF-style: chr15-85360492-C-T.
Other names: short protein forms R139C.
Identifiers: ClinVar variation 1946288 (VCV001946288.6), dbSNP rs992295669, ClinGen allele CA393368862.

ClinVar aggregate classification (germline): Uncertain significance. Review status: criteria provided, multiple submitters, no conflicts (2 of 4 stars). 2 submissions from 2 submitters: Uncertain significance (2). Last evaluated 2023-02-07.

Conditions:
Cardiovascular phenotype. Identifiers: MedGen CN230736.

Submissions (2):

Ambry Genetics
Classification: Uncertain significance for Cardiovascular phenotype. Last evaluated: 2023-02-07. Review status: criteria provided, single submitter. Criteria: Ambry Variant Classification Scheme 2023. Collection method: clinical testing. Allele origin: germline.

Labcorp Genetics (formerly Invitae), Labcorp
Classification: Uncertain significance. Last evaluated: 2022-06-10. Review status: criteria provided, single submitter. Criteria: Invitae Variant Classification Sherloc (09022015). Collection method: clinical testing. Allele origin: germline.
Comment: In summary, the available evidence is currently insufficient to determine the role of this variant in disease. Therefore, it has been classified as a Variant of Uncertain Significance. Algorithms developed to predict the effect of missense changes on protein structure and function are either unavailable or do not agree on the potential impact of this missense change (SIFT: "Deleterious"; PolyPhen-2: "Possibly Damaging"; Align-GVGD: "Class C0"). This variant has not been reported in the literature in individuals affected with ALPK3-related conditions. This variant is present in population databases (no rsID available, gnomAD 0.06%). This sequence change replaces arginine, which is basic and polar, with cysteine, which is neutral and slightly polar, at codon 139 of the ALPK3 protein (p.Arg139Cys).